The following is an entry in ClinVar:

ClinVar aggregate classification (germline): Uncertain significance (1 of 4 stars; one submission).

Conditions:
Fetal akinesia deformation sequence 1 (FADS1). Also called: Pena-Shokeir syndrome type I; Fetal akinesia sequence. Identifiers: Orphanet 994, MedGen C1276035, MONDO:0100101, OMIM 208150, HP:0001989.
Congenital myasthenic syndrome 11. Also called: Myasthenic syndrome, congenital, 11, associated with acetylcholine receptor deficiency; MYASTHENIC SYNDROME, CONGENITAL, Ie. Identifiers: Orphanet 590, MedGen C4225367, MONDO:0014588, OMIM 616326.

Allele frequency attached by ClinVar (database versions not stated): gnomAD exomes 0.00001; ExAC 0.00003; TOPMed 0.00003; ESP Exome Variant Server 0.00008.
gnomAD v4.1: 14 of 1,573,158 alleles (0.00089%); highest among the groups gnomAD compares: Non-Finnish European, 0.0011%; 1 homozygote.

Submission:

Labcorp Genetics (formerly Invitae), Labcorp
Classification: Uncertain significance for Congenital myasthenic syndrome 11; Fetal akinesia deformation sequence 1. Last evaluated: 2022-07-01. Review status: criteria provided, single submitter. Criteria: Invitae Variant Classification Sherloc (09022015). Collection method: clinical testing. Allele origin: germline.
Comment: This sequence change replaces glutamic acid, which is acidic and polar, with aspartic acid, which is acidic and polar, at codon 354 of the RAPSN protein (p.Glu354Asp). This variant is present in population databases (rs373648358, gnomAD 0.002%). This variant has not been reported in the literature in individuals affected with RAPSN-related conditions. Algorithms developed to predict the effect of missense changes on protein structure and function are either unavailable or do not agree on the potential impact of this missense change (SIFT: "Deleterious"; PolyPhen-2: "Benign"; Align-GVGD: "Class C0"). In summary, the available evidence is currently insufficient to determine the role of this variant in disease. Therefore, it has been classified as a Variant of Uncertain Significance.

NM_005055.5(RAPSN):c.1062G>C (p.Glu354Asp)

Gene: RAPSN (receptor associated protein of the synapse; minus strand). Cytogenetic location: 11p11.2.
Variant type: single nucleotide variant.
Coding change: c.1062G>C on transcript NM_005055.5 (MANE Select); coding-DNA position 1062, G replaced by C.
Protein change: p.Glu354Asp; replaces glutamic acid 354 with aspartic acid.
Molecular consequence: missense variant.
Genome position (GRCh38, 1-based): chr11:47,438,836, C>G on the plus strand (G>C on the coding strand, the complement: RAPSN is on the minus strand). VCF-style: chr11-47438836-C-G. GRCh37 (hg19) VCF-style: chr11-47460387-C-G.
Other names: c.885G>C, p.Glu295Asp (NM_032645.5); short protein forms E295D, E354D.
Identifiers: ClinVar variation 2138914 (VCV002138914.1), dbSNP rs373648358, ClinGen allele CA5976513.
Genomic context (GRCh38, chr11:47,438,836, plus strand): 5'-GTTCTTCTCGCCTATGGACTCGCCGCACAGGCCGCAGTAGAGCTCCGTCTCCTCCACGCA[C>G]TCGTGGAACCTCACAACGTGCGCCCGCAGTTCCCGCTGCAGCCCTTTGCTGCGGTAAATG-3'
Protein context (NP_005046.2, residues 344-364): ELRAHVVRFH[Glu354Asp]CVEETELYCG